The following is an entry in ClinVar:

NM_025114.4(CEP290):c.91T>C (p.Ser31Pro)

Gene: CEP290 (centrosomal protein 290; minus strand). Cytogenetic location: 12q21.32.
Variant type: single nucleotide variant.
Coding change: c.91T>C on transcript NM_025114.4 (MANE Select); coding-DNA position 91, T replaced by C.
Protein change: p.Ser31Pro; replaces serine 31 with proline.
Molecular consequence: missense variant.
Genome position (GRCh38, 1-based): chr12:88,141,217, A>G on the plus strand (T>C on the coding strand, the complement: CEP290 is on the minus strand). VCF-style: chr12-88141217-A-G. GRCh37 (hg19) VCF-style: chr12-88534994-A-G.
Other names: short protein forms S31P.
Identifiers: ClinVar variation 3776648 (VCV003776648.1).
Genomic context (GRCh38, chr12:88,141,217, plus strand): 5'-TTAATCATAAGTTAATGTATATATCTATTATTATTGACCAATTAAGCACCTTGGATAAGG[A>G]AATCAATAAATTATCTGCCAGTTCTTCTTGACGGGGCAGGTCATCTGGGTCAACTTTCAT-3'
Protein context (NP_079390.3, residues 21-41): QEELADNLLI[Ser31Pro]LSKVEVNELK

ClinVar aggregate classification (germline): Uncertain significance (1 of 4 stars; one submission).

gnomAD v4.1: 4 of 1,608,470 alleles (0.00025%); highest among the groups gnomAD compares: Non-Finnish European, 0.00025%; no homozygotes.

Submission:

GeneDx
Classification: Uncertain significance. Last evaluated: 2024-10-07. Review status: criteria provided, single submitter. Criteria: GeneDx Variant Classification Process June 2021. Collection method: clinical testing. Allele origin: germline. Affected: yes.
Comment: Not observed at significant frequency in large population cohorts (gnomAD); In silico analysis indicates that this missense variant does not alter protein structure/function; Has not been previously published as pathogenic or benign to our knowledge